The following is an entry in ClinVar:

ClinVar aggregate classification (germline): Uncertain significance (1 of 4 stars; one submission).

Conditions:
Primary dilated cardiomyopathy (DCM). Also called: Dilated Cardiomyopathy. Identifiers: Orphanet 217604, MedGen C0007193, MeSH D002311, MONDO:0005021, HP:0001644. Inheritance: Various modes of inheritance.

Allele frequency attached by ClinVar (database versions not stated): gnomAD 0.00005; TOPMed 0.00008.
gnomAD v4.1: 12 of 1,540,016 alleles (0.00078%); highest among the groups gnomAD compares: Admixed American, 0.018%; no homozygotes.

Submission:

Labcorp Genetics (formerly Invitae), Labcorp
Classification: Uncertain significance for Primary dilated cardiomyopathy. Last evaluated: 2022-03-18. Review status: criteria provided, single submitter. Criteria: Invitae Variant Classification Sherloc (09022015). Collection method: clinical testing. Allele origin: germline.
Comment: This variant has not been reported in the literature in individuals affected with NEBL-related conditions. This sequence change affects an acceptor splice site in intron 3 of the NEBL gene. It is expected to disrupt RNA splicing. Variants that disrupt the donor or acceptor splice site typically lead to a loss of protein function (PMID: 16199547), however the current clinical and genetic evidence is not sufficient to establish whether loss-of-function variants in NEBL cause disease. The frequency data for this variant in the population databases is considered unreliable, as metrics indicate poor data quality at this position in the gnomAD database. Algorithms developed to predict the effect of sequence changes on RNA splicing suggest that this variant may disrupt the consensus splice site. In summary, the available evidence is currently insufficient to determine the role of this variant in disease. Therefore, it has been classified as a Variant of Uncertain Significance.

Literature cited by the submitters: PubMed 16199547.

NM_006393.3(NEBL):c.259-2A>T

Gene: NEBL (nebulette; minus strand). Cytogenetic location: 10p12.31.
Variant type: single nucleotide variant.
Coding change: c.259-2A>T on transcript NM_006393.3 (MANE Select); the canonical splice acceptor site of the intron before coding-DNA position 259, A replaced by T.
Molecular consequence: splice acceptor variant. On other transcripts: intron variant (9).
Genome position (GRCh38, 1-based): chr10:20,888,209, T>A on the plus strand (A>T on the coding strand, the complement: NEBL is on the minus strand). VCF-style: chr10-20888209-T-A. GRCh37 (hg19) VCF-style: chr10-21177138-T-A.
Other names: c.249+73463A>T (NM_001377326.1, NM_001377327.1, NM_001377328.1); c.357+73463A>T (NM_213569.2, NM_001173484.2, NM_001377322.1); c.300+73463A>T (NM_001377324.1); c.291+73463A>T (NM_001377325.1); c.309+73463A>T (NM_001377323.1).
Identifiers: ClinVar variation 1498103 (VCV001498103.8), dbSNP rs904604682, ClinGen allele CA204171469.